The following is an entry in ClinVar:

NM_032930.3(CFAP300):c.433A>T (p.Arg145Ter)

Gene: CFAP300 (cilia and flagella associated protein 300; plus strand). Cytogenetic location: 11q22.1.
Variant type: single nucleotide variant.
Coding change: c.433A>T on transcript NM_032930.3 (MANE Select); coding-DNA position 433, A replaced by T.
Protein change: p.Arg145Ter; replaces arginine 145 with a stop codon.
Molecular consequence: nonsense. On other transcripts: intron variant (1).
Genome position (GRCh38, 1-based): chr11:102,066,649, A>T. VCF-style: chr11-102066649-A-T. GRCh37 (hg19) VCF-style: chr11-101937380-A-T.
Other names: c.433A>T, p.Arg145Ter (NM_001363505.2); c.268+7694A>T (NM_001195005.2); short protein forms R145*.
Identifiers: ClinVar variation 549861 (VCV000549861.4), dbSNP rs754773453, ClinGen allele CA6246001.

ClinVar aggregate classification (germline): Pathogenic. Review status: criteria provided, single submitter (1 of 4 stars). 2 submissions from 2 submitters: Pathogenic (1). 1 of the submissions does not count toward it. Last evaluated 2024-01-22.

Conditions:
Ciliary dyskinesia, primary, 38 (CILD38). Also called: CILIARY DYSKINESIA, PRIMARY, 38, WITH OR WITHOUT SITUS INVERSUS. Identifiers: MedGen C4748052, MONDO:0054843, OMIM 618063.

Allele frequency attached by ClinVar (database versions not stated): TOPMed below 0.00001; gnomAD exomes 0.00001 and 0.00002; ExAC 0.00002.
gnomAD v4.1: 10 of 1,600,566 alleles (0.00062%); highest among the groups gnomAD compares: Non-Finnish European, 0.00085%; no homozygotes.

Submissions (2):

Labcorp Genetics (formerly Invitae), Labcorp
Classification: Pathogenic. Last evaluated: 2024-01-22. Review status: criteria provided, single submitter. Criteria: Invitae Variant Classification Sherloc (09022015). Collection method: clinical testing. Allele origin: germline.
Comment: This sequence change creates a premature translational stop signal (p.Arg145*) in the C11orf70 gene. It is expected to result in an absent or disrupted protein product. Loss-of-function variants in C11orf70 are known to be pathogenic (PMID: 29727692, 29727693). This variant is present in population databases (rs754773453, gnomAD 0.004%). This premature translational stop signal has been observed in individual(s) with primary ciliary dyskinesia (PMID: 29727693). ClinVar contains an entry for this variant (Variation ID: 549861). For these reasons, this variant has been classified as Pathogenic.

OMIM
Classification: Pathogenic for CILIARY DYSKINESIA, PRIMARY, 38. Last evaluated: 2018-07-30. Review status: no assertion criteria provided. Collection method: literature only. Allele origin: germline. Not counted in ClinVar's aggregate classification.

Literature cited by the submitters: PubMed 29727692 (cited by Labcorp Genetics (formerly Invitae), Labcorp); PubMed 29727693 (cited by Labcorp Genetics (formerly Invitae), Labcorp and OMIM).